The following is an entry in ClinVar:

NM_000286.3(PEX12):c.739_740del (p.Leu247fs)

Gene: PEX12 (peroxisomal biogenesis factor 12; minus strand). Cytogenetic location: 17q12.
Variant type: Deletion.
Coding change: c.739_740del on transcript NM_000286.3 (MANE Select); coding-DNA positions 739 to 740, 2 bases deleted (CT; older notation c.739_740delCT).
Protein change: p.Leu247fs; shifts the reading frame from leucine 247.
Molecular consequence: frameshift variant.
Genome position (GRCh38, 1-based): chr17:35,576,122-35,576,123, AG deleted on the plus strand (CT on the coding strand, the reverse complement: PEX12 is on the minus strand). VCF-style (leftmost placement, unchanged base first): chr17-35576121-CAG-C. GRCh37 (hg19) VCF-style: chr17-33903140-CAG-C.
Other names: short protein forms L247fs.
Identifiers: ClinVar variation 4781100 (VCV004781100.1).

ClinVar aggregate classification (germline): Pathogenic (1 of 4 stars; one submission).

Conditions:
Peroxisome biogenesis disorder 3A (Zellweger). Also called: PEROXISOMAL BIOGENESIS DISORDER 3A (ZELLWEGER); Peroxisome biogenesis disorder 3A. Identifiers: Orphanet 912, MedGen C3553929, MONDO:0013927, OMIM 614859.

Submission:

Labcorp Genetics (formerly Invitae), Labcorp
Classification: Pathogenic for Peroxisome biogenesis disorder 3A (Zellweger). Last evaluated: 2025-06-27. Review status: criteria provided, single submitter. Criteria: Invitae Variant Classification Sherloc (09022015). Collection method: clinical testing. Allele origin: germline.
Comment: This sequence change creates a premature translational stop signal (p.Leu247Valfs*15) in the PEX12 gene. While this is not anticipated to result in nonsense mediated decay, it is expected to disrupt the last 113 amino acid(s) of the PEX12 protein. This variant is not present in population databases (gnomAD no frequency). This variant has not been reported in the literature in individuals affected with PEX12-related conditions. This variant disrupts a region of the PEX12 protein in which other variant(s) (p.Gln349del) have been determined to be pathogenic (PMID: 15542397, 21031596, 33123925). This suggests that this is a clinically significant region of the protein, and that variants that disrupt it are likely to be disease-causing. For these reasons, this variant has been classified as Pathogenic.

Literature cited by the submitters: PubMed 15542397; PubMed 21031596; PubMed 33123925.